The following is an entry in ClinVar:

ClinVar aggregate classification (germline): Uncertain significance (1 of 4 stars; one submission).

Conditions:
Emery-Dreifuss muscular dystrophy 4, autosomal dominant (EDMD4). Also called: EMERY-DREIFUSS MUSCULAR DYSTROPHY 4 WITH VARIABLE FEATURES. Identifiers: Orphanet 261, MedGen C2751807, MONDO:0013071, OMIM 612998.
Autosomal recessive ataxia, Beauce type. Also called: Spinocerebellar ataxia, autosomal recessive 8; ATAXIA, RECESSIVE, OF BEAUCE; SYNE1-Related Autosomal Recessive Cerebellar Ataxia; SYNE1 Deficiency. Identifiers: Orphanet 88644, MedGen C1853116, MONDO:0012549, OMIM 610743.

Allele frequency attached by ClinVar (database versions not stated): ExAC 0.00001; gnomAD exomes below 0.00001.
gnomAD v4.1: 1 of 1,614,182 alleles (0.000062%); highest among the groups gnomAD compares: Admixed American, 0.0017%; no homozygotes.

Submission:

Labcorp Genetics (formerly Invitae), Labcorp
Classification: Uncertain significance for Emery-Dreifuss muscular dystrophy 4, autosomal dominant; Autosomal recessive ataxia, Beauce type. Last evaluated: 2020-08-29. Review status: criteria provided, single submitter. Criteria: Invitae Variant Classification Sherloc (09022015). Collection method: clinical testing. Allele origin: germline.
Comment: In summary, the available evidence is currently insufficient to determine the role of this variant in disease. Therefore, it has been classified as a Variant of Uncertain Significance. Algorithms developed to predict the effect of missense changes on protein structure and function are either unavailable or do not agree on the potential impact of this missense change (SIFT: "Deleterious"; PolyPhen-2: "Possibly Damaging"; Align-GVGD: "Class C0"). This variant has not been reported in the literature in individuals with SYNE1-related conditions. This variant is present in population databases (rs754932611, ExAC 0.009%). This sequence change replaces asparagine with serine at codon 8744 of the SYNE1 protein (p.Asn8744Ser). The asparagine residue is highly conserved and there is a small physicochemical difference between asparagine and serine.

NM_182961.4(SYNE1):c.26375A>G (p.Asn8792Ser)

Genes: ESR1 (estrogen receptor 1; plus strand), SYNE1 (spectrin repeat containing nuclear envelope protein 1; minus strand). Cytogenetic location: 6q25.2.
Variant type: single nucleotide variant.
Coding change: c.26375A>G on transcript NM_182961.4 (MANE Select); coding-DNA position 26375, A replaced by G.
Protein change: p.Asn8792Ser; replaces asparagine 8792 with serine.
Molecular consequence: missense variant. On other transcripts: 3 prime UTR variant (1), intron variant (1).
Genome position (GRCh38, 1-based): chr6:152,122,455, T>C on the plus strand (A>G on the coding strand, the complement: SYNE1 is on the minus strand). VCF-style: chr6-152122455-T-C. GRCh37 (hg19) VCF-style: chr6-152443590-T-C.
Other names: c.*186A>G (NM_001347701.2); c.2909A>G, p.Asn970Ser (NM_001347702.2); c.26231A>G, p.Asn8744Ser (NM_033071.5); c.851-2811T>C (NM_001328100.2); short protein forms N8744S, N8792S, N970S.
Identifiers: ClinVar variation 1047425 (VCV001047425.10), dbSNP rs754932611, ClinGen allele CA4052575.